The following is an entry in ClinVar:

ClinVar aggregate classification (germline): Likely benign. Review status: criteria provided, single submitter (1 of 4 stars). 2 submissions from 2 submitters: Likely benign (1). 1 of the submissions does not count toward it. Last evaluated 2025-06-17.

Conditions:
EVC-related disorder. Also called: EVC-related disorders; EVC-related condition.
Ellis-van Creveld syndrome (EVC). Also called: Chondroectodermal dysplasia; MESOECTODERMAL DYSPLASIA. Identifiers: Orphanet 289, MedGen C0013903, MONDO:0009162, OMIM 225500.
Curry-Hall syndrome (WAD). Also called: WEYERS ACRODENTAL DYSOSTOSIS. Identifiers: Orphanet 952, MedGen C0457013, MONDO:0008673, OMIM 193530.

Allele frequency attached by ClinVar (database versions not stated): gnomAD 0.00001 and 0.00002; TOPMed 0.00002; gnomAD exomes 0.00003 and 0.00006; ExAC 0.00005; ESP Exome Variant Server 0.00008.

Submissions (2):

Labcorp Genetics (formerly Invitae), Labcorp
Classification: Likely benign for Curry-Hall syndrome; Ellis-van Creveld syndrome. Last evaluated: 2025-06-17. Review status: criteria provided, single submitter. Criteria: Invitae Variant Classification Sherloc (09022015). Collection method: clinical testing. Allele origin: germline.

PreventionGenetics, part of Exact Sciences
Classification: Likely benign for EVC-related condition. Last evaluated: 2023-08-28. Review status: no assertion criteria provided. Collection method: clinical testing. Allele origin: germline. Not counted in ClinVar's aggregate classification.
Comment: This variant is classified as likely benign based on ACMG/AMP sequence variant interpretation guidelines (Richards et al. 2015 PMID: 25741868, with internal and published modifications).

NM_153717.3(EVC):c.1872C>T (p.Gly624=)

Gene: EVC (EvC ciliary complex subunit 1; plus strand). Cytogenetic location: 4p16.2.
Variant type: single nucleotide variant.
Coding change: c.1872C>T on transcript NM_153717.3 (MANE Select); coding-DNA position 1872, C replaced by T.
Protein change: p.Gly624=; no amino-acid change (glycine 624 retained).
Molecular consequence: synonymous variant.
Genome position (GRCh38, 1-based): chr4:5,793,703, C>T. VCF-style: chr4-5793703-C-T. GRCh37 (hg19) VCF-style: chr4-5795430-C-T.
Other names: c.1872C>T, p.Gly624= (NM_001306090.2); c.1872C>T (NM_153717.2).
Identifiers: ClinVar variation 1096697 (VCV001096697.12), dbSNP rs374432399, ClinGen allele CA2836287.
Genomic context (GRCh38, chr4:5,793,703, plus strand): 5'-GCAGACACACCTGCGGGAGGACCACGAGGGCACCATCCGCGGCGTCTTGGGCCGACTGGG[C>T]GGCCTCACTGAAGAGTGAGTACAGCTCCCTGAAGGCCCAGGGCTTTGTGTCCTGCATGAT-3'
Protein context (NP_714928.1, residues 614-634): GTIRGVLGRL[Gly624=]GLTEESTRCV